The following is an entry in ClinVar:

ClinVar aggregate classification (germline): Likely pathogenic (1 of 4 stars; one submission).

Conditions:
Focal segmental glomerulosclerosis 7 (FSGS7). Identifiers: Orphanet 656, MedGen C4014925, MONDO:0014451, OMIM 616002.

Submission:

Precision Medicine Center, Zhengzhou University
Classification: Likely pathogenic for Focal segmental glomerulosclerosis 7. Last evaluated: 2023-12-01. Review status: criteria provided, single submitter. Criteria: ACMG Guidelines, 2015. Collection method: clinical testing. Allele origin: de novo. Affected: yes.
Comment: PS2,PM2_p,PP3

NM_000278.5(PAX2):c.92G>C (p.Arg31Pro)

Gene: PAX2 (paired box 2; plus strand). Cytogenetic location: 10q24.31.
Variant type: single nucleotide variant.
Coding change: c.92G>C on transcript NM_000278.5 (MANE Select); coding-DNA position 92, G replaced by C.
Protein change: p.Arg31Pro; replaces arginine 31 with proline.
Molecular consequence: missense variant.
Genome position (GRCh38, 1-based): chr10:100,749,794, G>C. VCF-style: chr10-100749794-G-C. GRCh37 (hg19) VCF-style: chr10-102509551-G-C.
Other names: c.185G>C, p.Arg62Pro (NM_001304569.2); c.92G>C, p.Arg31Pro (NM_003987.5, NM_003988.5, NM_003989.5 and 1 more transcripts); short protein forms R31P, R62P.
Identifiers: ClinVar variation 2681756 (VCV002681756.2), dbSNP rs2492892819.